The following is an entry in ClinVar:

ClinVar aggregate classification (germline): Uncertain significance (1 of 4 stars; one submission).

Submission:

GeneDx
Classification: Uncertain significance. Last evaluated: 2026-03-24. Review status: criteria provided, single submitter. Criteria: GeneDx Variant Classification Process June 2021. Collection method: clinical testing. Allele origin: germline.
Comment: Reported in a proband with cerebral palsy in the published literature; however, detailed clinical information was not provided (PMID: 38553553); No data available from control populations to assess the frequency of this variant; In silico analysis suggests this variant may impact gene splicing. In the absence of RNA/functional studies, the actual effect of this sequence change is unknown.; This variant is associated with the following publications: (PMID: 38553553)

NM_015570.4(AUTS2):c.690+63379A>G

Gene: AUTS2 (activator of transcription and developmental regulator AUTS2; plus strand). Cytogenetic location: 7q11.22.
Variant type: single nucleotide variant.
Coding change: c.690+63379A>G on transcript NM_015570.4 (MANE Select); 63379 bases into the intron after coding-DNA position 690, A replaced by G.
Molecular consequence: intron variant.
Genome position (GRCh38, 1-based): chr7:70,499,160, A>G. VCF-style: chr7-70499160-A-G. GRCh37 (hg19) VCF-style: chr7-69964146-A-G.
Other names: c.690+63379A>G (NM_001127231.3).
Identifiers: ClinVar variation 5016951 (VCV005016951.1).